The following is an entry in ClinVar:

ClinVar aggregate classification (germline): Likely pathogenic (1 of 4 stars; one submission).

Conditions:
Charcot-Marie-Tooth disease X-linked dominant 1. Also called: HMSN, X-LINKED; X-linked Charcot-Marie-Tooth disease type 1; CHARCOT-MARIE-TOOTH NEUROPATHY, X-LINKED, 1; CHARCOT-MARIE-TOOTH PERONEAL MUSCULAR ATROPHY, X-LINKED; GJB1 Disorders: Charcot-Marie-Tooth Neuropathy (CMT1X) and Central Nervous System Phenotypes; HEREDITARY MOTOR AND SENSORY NEUROPATHY, X-LINKED. Identifiers: Orphanet 101075, MedGen C0393808, MONDO:0010549, OMIM 302800.

Submission:

3billion
Classification: Likely pathogenic for Charcot-Marie-Tooth disease X-linked dominant 1. Last evaluated: 2023-02-23. Review status: criteria provided, single submitter. Criteria: ACMG Guidelines, 2015. Collection method: clinical testing. Allele origin: unknown. Affected: yes.
Comment: The variant is not observed in the gnomAD v2.1.1 dataset. Missense changes are a common disease-causing mechanism. In silico tool predictions suggest damaging effect of the variant on gene or gene product (REVEL: 0.98; 3Cnet: 1.00). A different missense change at the same codon (p.Val91Met) has been reported as pathogenic/likely pathogenic with strong evidence (ClinVar ID: VCV000195025). Therefore, this variant is classified as Likely pathogenic according to the recommendation of ACMG/AMP guideline.

NM_000166.6(GJB1):c.272T>A (p.Val91Glu)

Gene: GJB1 (gap junction protein beta 1; plus strand). Cytogenetic location: Xq13.1.
Variant type: single nucleotide variant.
Coding change: c.272T>A on transcript NM_000166.6 (MANE Select); coding-DNA position 272, T replaced by A.
Protein change: p.Val91Glu; replaces valine 91 with glutamic acid.
Molecular consequence: missense variant.
Genome position (GRCh38, 1-based): chrX:71,223,979, T>A. VCF-style: chrX-71223979-T-A. GRCh37 (hg19) VCF-style: chrX-70443829-T-A.
Other names: c.272T>A, p.Val91Glu (NM_001097642.3); short protein forms V91E.
Identifiers: ClinVar variation 2444061 (VCV002444061.1), dbSNP rs1602349050, ClinGen allele CA413501725.